The following is an entry in ClinVar:

ClinVar aggregate classification (germline): Uncertain significance (1 of 4 stars; one submission).

Conditions:
IGF1R-related disorder. Also called: IGF1R-related condition.

Submission:

PreventionGenetics, part of Exact Sciences
Classification: Uncertain significance for IGF1R-related condition. Last evaluated: 2023-09-19. Review status: criteria provided, single submitter. Criteria: ACMG Guidelines, 2015. Collection method: clinical testing. Allele origin: germline.
Comment: The IGF1R c.994T>G variant is predicted to result in the amino acid substitution p.Cys332Gly. To our knowledge, this variant has not been reported in the literature or in a large population database, indicating this variant is rare. At this time, the clinical significance of this variant is uncertain due to the absence of conclusive functional and genetic evidence.

NM_000875.5(IGF1R):c.994T>G (p.Cys332Gly)

Genes: IGF1R (insulin like growth factor 1 receptor; plus strand), LOC126862245 (P300/CBP strongly-dependent group 1 enhancer GRCh37_chr15:99439536-99440735; plus strand). Cytogenetic location: 15q26.3.
Variant type: single nucleotide variant.
Coding change: c.994T>G on transcript NM_000875.5 (MANE Select); coding-DNA position 994, T replaced by G.
Protein change: p.Cys332Gly; replaces cysteine 332 with glycine.
Molecular consequence: missense variant.
Genome position (GRCh38, 1-based): chr15:98,896,797, T>G. VCF-style: chr15-98896797-T-G. GRCh37 (hg19) VCF-style: chr15-99440026-T-G.
Other names: c.994T>G, p.Cys332Gly (NM_001291858.2); short protein forms C332G.
Identifiers: ClinVar variation 2630926 (VCV002630926.1), dbSNP rs2505981235, ClinGen allele CA393670826.